The following is an entry in ClinVar:

NM_144687.4(NLRP12):c.1834G>A (p.Glu612Lys)

Gene: NLRP12 (NLR family pyrin domain containing 12; minus strand). Cytogenetic location: 19q13.42.
Variant type: single nucleotide variant.
Coding change: c.1834G>A on transcript NM_144687.4 (MANE Select); coding-DNA position 1834, G replaced by A.
Protein change: p.Glu612Lys; replaces glutamic acid 612 with lysine.
Molecular consequence: missense variant.
Genome position (GRCh38, 1-based): chr19:53,809,825, C>T on the plus strand (G>A on the coding strand, the complement: NLRP12 is on the minus strand). VCF-style: chr19-53809825-C-T. GRCh37 (hg19) VCF-style: chr19-54313079-C-T.
Other names: c.1834G>A, p.Glu612Lys (NM_001277126.2, NM_001277129.1); c.1834G>A (NM_144687.3); short protein forms E612K.
Identifiers: ClinVar variation 1690973 (VCV001690973.8), dbSNP rs2122658928, ClinGen allele CA407412399.

ClinVar aggregate classification (germline): Uncertain significance. Review status: criteria provided, multiple submitters, no conflicts (2 of 4 stars). 3 submissions from 3 submitters: Uncertain significance (3). Last evaluated 2023-12-02.

Conditions:
Familial cold autoinflammatory syndrome 2 (FCAS2). Identifiers: Orphanet 247868, MedGen C2673198, MONDO:0012724, OMIM 611762.
NLRP12-related disorder. Also called: NLRP12-related conditions; NLRP12-related condition.

gnomAD v4.1: 2 of 1,614,134 alleles (0.00012%); highest among the groups gnomAD compares: Non-Finnish European, 0.00017%; no homozygotes.

Submissions (3):

Labcorp Genetics (formerly Invitae), Labcorp
Classification: Uncertain significance for Familial cold autoinflammatory syndrome 2. Last evaluated: 2023-12-02. Review status: criteria provided, single submitter. Criteria: Invitae Variant Classification Sherloc (09022015). Collection method: clinical testing. Allele origin: germline.
Comment: This sequence change replaces glutamic acid, which is acidic and polar, with lysine, which is basic and polar, at codon 612 of the NLRP12 protein (p.Glu612Lys). This variant is not present in population databases (gnomAD no frequency). This variant has not been reported in the literature in individuals affected with NLRP12-related conditions. ClinVar contains an entry for this variant (Variation ID: 1690973). Advanced modeling of protein sequence and biophysical properties (such as structural, functional, and spatial information, amino acid conservation, physicochemical variation, residue mobility, and thermodynamic stability) performed at Invitae indicates that this missense variant is not expected to disrupt NLRP12 protein function with a negative predictive value of 80%. In summary, the available evidence is currently insufficient to determine the role of this variant in disease. Therefore, it has been classified as a Variant of Uncertain Significance.

PreventionGenetics, part of Exact Sciences
Classification: Uncertain significance for NLRP12-related condition. Last evaluated: 2022-11-07. Review status: criteria provided, single submitter. Criteria: ACMG Guidelines, 2015. Collection method: clinical testing. Allele origin: germline.
Comment: The NLRP12 c.1834G>A variant is predicted to result in the amino acid substitution p.Glu612Lys. To our knowledge, this variant has not been reported in the literature or in a large population database, indicating this variant is rare. At this time, the clinical significance of this variant is uncertain due to the absence of conclusive functional and genetic evidence.

Laboratorio de Genetica e Diagnostico Molecular, Hospital Israelita Albert Einstein
Classification: Uncertain significance. Last evaluated: 2020-11-25. Review status: criteria provided, single submitter. Criteria: ACMG Guidelines, 2015. Collection method: clinical testing. Allele origin: germline. Affected: yes.
Comment: ACMG classification criteria: PM2